The following is an entry in ClinVar:

NM_003384.3(VRK1):c.618A>G (p.Pro206=)

Gene: VRK1 (VRK serine/threonine kinase 1; plus strand). Cytogenetic location: 14q32.2.
Variant type: single nucleotide variant.
Coding change: c.618A>G on transcript NM_003384.3 (MANE Select); coding-DNA position 618, A replaced by G.
Protein change: p.Pro206=; no amino-acid change (proline 206 retained).
Molecular consequence: synonymous variant.
Genome position (GRCh38, 1-based): chr14:96,855,265, A>G. VCF-style: chr14-96855265-A-G. GRCh37 (hg19) VCF-style: chr14-97321602-A-G.
Other names: c.618A>G (NM_003384.2).
Identifiers: ClinVar variation 1160241 (VCV001160241.11), dbSNP rs773555796, ClinGen allele CA7339035.

ClinVar aggregate classification (germline): Likely benign. Review status: criteria provided, multiple submitters, no conflicts (2 of 4 stars). 2 submissions from 2 submitters: Likely benign (2). Last evaluated 2025-08-29.

Conditions:
Pontocerebellar hypoplasia type 1A (PCH1A). Also called: PONTOCEREBELLAR HYPOPLASIA WITH ANTERIOR HORN CELL DISEASE; PONTOCEREBELLAR HYPOPLASIA WITH INFANTILE SPINAL MUSCULAR ATROPHY. Identifiers: Orphanet 2254, Orphanet 88616, MedGen C1843504, MONDO:0011866, OMIM 607596.
VRK1-related disorder. Also called: VRK1-related condition.

Allele frequency attached by ClinVar (database versions not stated): TOPMed 0.00004; gnomAD exomes below 0.00001 and 0.00001; ExAC 0.00001.
gnomAD v4.1: 4 of 1,614,112 alleles (0.00025%); highest among the groups gnomAD compares: Admixed American, 0.0017%; no homozygotes.

Submissions (2):

PreventionGenetics, part of Exact Sciences
Classification: Likely benign for VRK1-related condition. Last evaluated: 2025-08-29. Review status: criteria provided, single submitter. Criteria: ACMG Guidelines, 2015. Collection method: clinical testing. Allele origin: germline.
Comment: This variant is classified as likely benign based on ACMG/AMP sequence variant interpretation guidelines (Richards et al. 2015 PMID: 25741868, with internal and published modifications).

Labcorp Genetics (formerly Invitae), Labcorp
Classification: Likely benign for Pontocerebellar hypoplasia type 1A. Last evaluated: 2024-01-15. Review status: criteria provided, single submitter. Criteria: Invitae Variant Classification Sherloc (09022015). Collection method: clinical testing. Allele origin: germline.